The following is an entry in ClinVar:

NM_006420.3(ARFGEF2):c.3682G>A (p.Val1228Met)

Gene: ARFGEF2 (ARF guanine nucleotide exchange factor 2; plus strand). Cytogenetic location: 20q13.13.
Variant type: single nucleotide variant.
Coding change: c.3682G>A on transcript NM_006420.3 (MANE Select); coding-DNA position 3682, G replaced by A.
Protein change: p.Val1228Met; replaces valine 1228 with methionine.
Molecular consequence: missense variant.
Genome position (GRCh38, 1-based): chr20:49,010,329, G>A. VCF-style: chr20-49010329-G-A. GRCh37 (hg19) VCF-style: chr20-47626866-G-A.
Other names: c.3682G>A (NM_006420.2); short protein forms V1228M.
Identifiers: ClinVar variation 1479257 (VCV001479257.4), dbSNP rs775296325, ClinGen allele CA9899008.

ClinVar aggregate classification (germline): Uncertain significance. Review status: criteria provided, multiple submitters, no conflicts (2 of 4 stars). 2 submissions from 2 submitters: Uncertain significance (2). Last evaluated 2022-04-25.

Conditions:
Inborn genetic diseases. Identifiers: MedGen C0950123, MeSH D030342.

Allele frequency attached by ClinVar (database versions not stated): gnomAD 0.00001 and 0.00002; TOPMed 0.00003; ExAC 0.00004; gnomAD exomes 0.00009.
gnomAD v4.1: 28 of 1,614,142 alleles (0.0017%); highest among the groups gnomAD compares: Admixed American, 0.037%; no homozygotes.

Submissions (2):

Ambry Genetics
Classification: Uncertain significance for Inborn genetic diseases. Last evaluated: 2022-04-25. Review status: criteria provided, single submitter. Criteria: Ambry Variant Classification Scheme 2023. Collection method: clinical testing. Allele origin: germline.

Labcorp Genetics (formerly Invitae), Labcorp
Classification: Uncertain significance. Last evaluated: 2021-10-11. Review status: criteria provided, single submitter. Criteria: Invitae Variant Classification Sherloc (09022015). Collection method: clinical testing. Allele origin: germline.
Comment: This sequence change replaces valine with methionine at codon 1228 of the ARFGEF2 protein (p.Val1228Met). The valine residue is highly conserved and there is a small physicochemical difference between valine and methionine. This variant is present in population databases (rs775296325, ExAC 0.04%). This variant has not been reported in the literature in individuals affected with ARFGEF2-related conditions. Algorithms developed to predict the effect of missense changes on protein structure and function are either unavailable or do not agree on the potential impact of this missense change (SIFT: "Deleterious"; PolyPhen-2: "Probably Damaging"; Align-GVGD: "Class C0"). In summary, the available evidence is currently insufficient to determine the role of this variant in disease. Therefore, it has been classified as a Variant of Uncertain Significance.